The following is an entry in ClinVar:

NM_001104631.2(PDE4D):c.1705A>G (p.Ile569Val)

Gene: PDE4D (phosphodiesterase 4D; minus strand). Cytogenetic location: 5q11.2.
Variant type: single nucleotide variant.
Coding change: c.1705A>G on transcript NM_001104631.2 (MANE Select); coding-DNA position 1705, A replaced by G.
Protein change: p.Ile569Val; replaces isoleucine 569 with valine.
Molecular consequence: missense variant.
Genome position (GRCh38, 1-based): chr5:58,977,193, T>C on the plus strand (A>G on the coding strand, the complement: PDE4D is on the minus strand). VCF-style: chr5-58977193-T-C. GRCh37 (hg19) VCF-style: chr5-58273020-T-C.
Other names: c.1522A>G, p.Ile508Val (NM_001165899.2, NM_001364599.1); c.1513A>G, p.Ile505Val (NM_001197218.2); c.1339A>G, p.Ile447Val (NM_001197219.2); c.1315A>G, p.Ile439Val (NM_001197220.2); c.799A>G, p.Ile267Val (NM_001197221.2, NM_001364603.1); c.1033A>G, p.Ile345Val (NM_001197222.2); c.832A>G, p.Ile278Val (NM_001197223.2); c.1492A>G, p.Ile498Val (NM_001349241.2); and 3 more; short protein forms I267V, I278V, I313V, I345V, I433V, I439V, I447V, I459V.
Identifiers: ClinVar variation 3618031 (VCV003618031.2).

ClinVar aggregate classification (germline): Uncertain significance (1 of 4 stars; one submission).

gnomAD v4.1: 18 of 1,606,210 alleles (0.0011%); highest among the groups gnomAD compares: South Asian, 0.0022%; no homozygotes.

Submission:

Labcorp Genetics (formerly Invitae), Labcorp
Classification: Uncertain significance. Last evaluated: 2024-08-08. Review status: criteria provided, single submitter. Criteria: Invitae Variant Classification Sherloc (09022015). Collection method: clinical testing. Allele origin: germline.
Comment: This sequence change replaces isoleucine, which is neutral and non-polar, with valine, which is neutral and non-polar, at codon 569 of the PDE4D protein (p.Ile569Val). This variant is present in population databases (rs772296200, gnomAD 0.008%). This variant has not been reported in the literature in individuals affected with PDE4D-related conditions. An algorithm developed to predict the effect of missense changes on protein structure and function (PolyPhen-2) suggests that this variant is likely to be tolerated. In summary, the available evidence is currently insufficient to determine the role of this variant in disease. Therefore, it has been classified as a Variant of Uncertain Significance.